The following is an entry in ClinVar:

NM_001130004.2(ACTN1):c.855+8C>T

Gene: ACTN1 (actinin alpha 1; minus strand). Cytogenetic location: 14q24.1.
Variant type: single nucleotide variant.
Coding change: c.855+8C>T on transcript NM_001130004.2 (MANE Select); 8 bases into the intron after coding-DNA position 855, C replaced by T.
Molecular consequence: intron variant.
Genome position (GRCh38, 1-based): chr14:68,893,647, G>A on the plus strand (C>T on the coding strand, the complement: ACTN1 is on the minus strand). VCF-style: chr14-68893647-G-A. GRCh37 (hg19) VCF-style: chr14-69360364-G-A.
Other names: p.?; c.786+8C>T (NM_001424021.1); c.852+8C>T (NM_001424017.1); c.660+8C>T (NM_001424028.1, NM_001411036.1, NM_001424026.1); c.942+8C>T (NM_001424015.1); c.855+8C>T (NM_001424029.1, NM_001424027.1, NM_001424025.1 and 9 more transcripts); c.30+8C>T (NM_001424030.1); c.981+8C>T (NM_001424013.1); and 1 more.
Identifiers: ClinVar variation 4683889 (VCV004683889.1).

ClinVar aggregate classification (germline): Likely benign (1 of 4 stars; one submission).

gnomAD v4.1: 1 of 1,613,696 alleles (0.000062%); highest among the groups gnomAD compares: South Asian, 0.0011%; no homozygotes.

Submission:

Mayo Clinic Laboratories, Mayo Clinic
Classification: Likely benign. Last evaluated: 2025-09-24. Review status: criteria provided, single submitter. Criteria: ACMG Guidelines, 2015. Collection method: clinical testing. Allele origin: germline. Observed: 1 variant allele.
Comment: BP4, BP7, PM2_supporting